The following is an entry in ClinVar:

NM_017739.4(POMGNT1):c.557A>G (p.Lys186Arg)

Genes: POMGNT1 (protein O-linked mannose N-acetylglucosaminyltransferase 1 (beta 1,2-); minus strand), TSPAN1 (tetraspanin 1; plus strand). Cytogenetic location: 1p34.1.
Variant type: single nucleotide variant.
Coding change: c.557A>G on transcript NM_017739.4 (MANE Select); coding-DNA position 557, A replaced by G.
Protein change: p.Lys186Arg; replaces lysine 186 with arginine.
Molecular consequence: missense variant.
Genome position (GRCh38, 1-based): chr1:46,194,939, T>C on the plus strand (A>G on the coding strand, the complement: POMGNT1 is on the minus strand). VCF-style: chr1-46194939-T-C. GRCh37 (hg19) VCF-style: chr1-46660611-T-C.
Other names: c.557A>G, p.Lys186Arg (NM_001243766.2, NM_001410783.1); c.491A>G, p.Lys164Arg (NM_001290129.3); c.128A>G, p.Lys43Arg (NM_001290130.2); short protein forms K164R, K186R, K43R.
Identifiers: ClinVar variation 1510544 (VCV001510544.7), dbSNP rs2148205697, ClinGen allele CA340187291.

ClinVar aggregate classification (germline): Uncertain significance (1 of 4 stars; one submission).

Conditions:
Autosomal recessive limb-girdle muscular dystrophy type 2O. Also called: Limb-Girdle Muscular Dystrophy Type 3C; MUSCULAR DYSTROPHY-DYSTROGLYCANOPATHY (LIMB-GIRDLE), TYPE C, 3; MUSCULAR DYSTROPHY-DYSTROGLYCANOPATHY, LIMB-GIRDLE, POMGNT1-RELATED. Identifiers: Orphanet 206564, MedGen C3150417, MONDO:0013161, OMIM 613157.
Muscular dystrophy-dystroglycanopathy (congenital with impaired intellectual development), type B, 3. Also called: Muscular dystrophy-dystroglycanopathy (congenital with intellectual disability), type B3; MUSCULAR DYSTROPHY, CONGENITAL, POMGNT1-RELATED. Identifiers: MedGen C3150412, MONDO:0013155, OMIM 613151.

Submission:

Labcorp Genetics (formerly Invitae), Labcorp
Classification: Uncertain significance for Autosomal recessive limb-girdle muscular dystrophy type 2O; Muscular dystrophy-dystroglycanopathy (congenital with impaired intellectual development), type B, 3. Last evaluated: 2025-01-27. Review status: criteria provided, single submitter. Criteria: Invitae Variant Classification Sherloc (09022015). Collection method: clinical testing. Allele origin: germline.
Comment: This sequence change replaces lysine, which is basic and polar, with arginine, which is basic and polar, at codon 186 of the POMGNT1 protein (p.Lys186Arg). This variant is not present in population databases (gnomAD no frequency). This variant has not been reported in the literature in individuals affected with POMGNT1-related conditions. ClinVar contains an entry for this variant (Variation ID: 1510544). Invitae Evidence Modeling of protein sequence and biophysical properties (such as structural, functional, and spatial information, amino acid conservation, physicochemical variation, residue mobility, and thermodynamic stability) has been performed for this missense variant. However, the output from this modeling did not meet the statistical confidence thresholds required to predict the impact of this variant on POMGNT1 protein function. Algorithms developed to predict the effect of sequence changes on RNA splicing suggest that this variant may disrupt the consensus splice site. In summary, the available evidence is currently insufficient to determine the role of this variant in disease. Therefore, it has been classified as a Variant of Uncertain Significance.